The following is an entry in ClinVar:

ClinVar aggregate classification (germline): Uncertain significance (1 of 4 stars; one submission).

Submission:

GeneDx
Classification: Uncertain significance. Last evaluated: 2022-03-11. Review status: criteria provided, single submitter. Criteria: GeneDx Variant Classification Process June 2021. Collection method: clinical testing. Allele origin: germline. Affected: yes.
Comment: Not observed at significant frequency in large population cohorts (gnomAD); In silico analysis supports that this missense variant has a deleterious effect on protein structure/function; Has not been previously published as pathogenic or benign to our knowledge

NM_024496.4(IRF2BPL):c.1198G>C (p.Gly400Arg)

Gene: IRF2BPL (interferon regulatory factor 2 binding protein like; minus strand). Cytogenetic location: 14q24.3.
Variant type: single nucleotide variant.
Coding change: c.1198G>C on transcript NM_024496.4 (MANE Select); coding-DNA position 1198, G replaced by C.
Protein change: p.Gly400Arg; replaces glycine 400 with arginine.
Molecular consequence: missense variant.
Genome position (GRCh38, 1-based): chr14:77,026,595, C>G on the plus strand (G>C on the coding strand, the complement: IRF2BPL is on the minus strand). VCF-style: chr14-77026595-C-G. GRCh37 (hg19) VCF-style: chr14-77492938-C-G.
Other names: short protein forms G400R.
Identifiers: ClinVar variation 1706305 (VCV001706305.2), dbSNP rs1885132124, ClinGen allele CA390495336.